The following is an entry in ClinVar:

NM_182914.3(SYNE2):c.11154A>C (p.Glu3718Asp)

Gene: SYNE2 (spectrin repeat containing nuclear envelope protein 2; plus strand). Cytogenetic location: 14q23.2.
Variant type: single nucleotide variant.
Coding change: c.11154A>C on transcript NM_182914.3 (MANE Select); coding-DNA position 11154, A replaced by C.
Protein change: p.Glu3718Asp; replaces glutamic acid 3718 with aspartic acid.
Molecular consequence: missense variant.
Genome position (GRCh38, 1-based): chr14:64,078,597, A>C. VCF-style: chr14-64078597-A-C. GRCh37 (hg19) VCF-style: chr14-64545315-A-C.
Other names: c.11154A>C, p.Glu3718Asp (NM_015180.6); short protein forms E3718D.
Identifiers: ClinVar variation 4727105 (VCV004727105.1).

ClinVar aggregate classification (germline): Uncertain significance (1 of 4 stars; one submission).

Conditions:
Emery-Dreifuss muscular dystrophy 5, autosomal dominant (EDMD5). Also called: EMERY-DREIFUSS MUSCULAR DYSTROPHY 5. Identifiers: Orphanet 261, MedGen C2751805, MONDO:0013072, OMIM 612999.

gnomAD v4.1: 1 of 1,614,018 alleles (0.000062%); highest among the groups gnomAD compares: Non-Finnish European, 0.000085%; no homozygotes.

Submission:

Labcorp Genetics (formerly Invitae), Labcorp
Classification: Uncertain significance for Emery-Dreifuss muscular dystrophy 5, autosomal dominant. Last evaluated: 2025-09-13. Review status: criteria provided, single submitter. Criteria: Invitae Variant Classification Sherloc (09022015). Collection method: clinical testing. Allele origin: germline.
Comment: This sequence change replaces glutamic acid, which is acidic and polar, with aspartic acid, which is acidic and polar, at codon 3718 of the SYNE2 protein (p.Glu3718Asp). This variant is present in population databases (no rsID available, gnomAD 0.0009%). This variant has not been reported in the literature in individuals affected with SYNE2-related conditions. An algorithm developed to predict the effect of missense changes on protein structure and function (PolyPhen-2) suggests that this variant is likely to be tolerated. In summary, the available evidence is currently insufficient to determine the role of this variant in disease. Therefore, it has been classified as a Variant of Uncertain Significance.